The following is an entry in ClinVar:

ClinVar aggregate classification (germline): Benign/Likely benign. Review status: criteria provided, multiple submitters, no conflicts (2 of 4 stars). 11 submissions from 11 submitters: Benign (1); Likely benign (6). 4 of the submissions do not count toward it. Last evaluated 2026-08-01.

Conditions:
Carcinoma of colon (CRC). Also called: Colonic carcinoma; Colon carcinoma. Identifiers: MedGen C0699790, MONDO:0002032.

Allele frequency attached by ClinVar (database versions not stated): 1000 Genomes Project 0.00120; 1000 Genomes Project 30x 0.00141; gnomAD 0.00340 and 0.00349; TOPMed 0.00342; ExAC 0.00344; gnomAD exomes 0.00381 and 0.00553; ESP Exome Variant Server 0.00446.
gnomAD v4.1: 8,487 of 1,606,982 alleles (0.53%); highest among the groups gnomAD compares: Non-Finnish European, 0.64%; 32 homozygotes.

Submissions (11):

CeGaT Center for Human Genetics Tuebingen
Classification: Likely benign. Last evaluated: 2026-08-01. Review status: criteria provided, single submitter. Criteria: CeGaT Center For Human Genetics Tuebingen Variant Classification Criteria Version 2. Collection method: clinical testing. Allele origin: germline. Affected: yes. Observed: 17 variant alleles.
Comment: FLT4: BS2

Blueprint Genetics
Classification: Likely benign. Last evaluated: 2024-11-23. Review status: criteria provided, single submitter. Criteria: ACMG Guidelines, 2015. Collection method: clinical testing. Allele origin: germline.

ARUP Laboratories, Molecular Genetics and Genomics, ARUP Laboratories
Classification: Likely benign. Last evaluated: 2023-10-26. Review status: criteria provided, single submitter. Criteria: ARUP Molecular Germline Variant Investigation Process 2024. Collection method: clinical testing. Allele origin: germline.

Labcorp Genetics (formerly Invitae), Labcorp
Classification: Benign. Last evaluated: 2019-12-31. Review status: criteria provided, single submitter. Criteria: Invitae Variant Classification Sherloc (09022015). Collection method: clinical testing. Allele origin: germline.

Mendelics
Classification: Likely benign for Colorectal cancer. Last evaluated: 2019-05-28. Review status: criteria provided, single submitter. Criteria: Mendelics Assertion Criteria 2017. Collection method: clinical testing. Allele origin: unknown.

Center for Pediatric Genomic Medicine, Children's Mercy Hospital and Clinics
Classification: Likely benign. Last evaluated: 2016-07-13. Review status: criteria provided, single submitter. Criteria: ACMG Guidelines, 2015. Collection method: clinical testing. Allele origin: germline.
ClinVar note: Converted during submission from Likely Benign to Likely benign.

PreventionGenetics, part of Exact Sciences
Classification: Likely benign. Review status: criteria provided, single submitter. Criteria: ACMG Guidelines, 2015. Collection method: clinical testing. Allele origin: germline.

Clinical Genetics DNA and cytogenetics Diagnostics Lab, Erasmus MC, Erasmus Medical Center
Classification: Likely benign. Review status: no assertion criteria provided. Collection method: clinical testing. Allele origin: germline. Affected: yes. Study: VKGL Data-share Consensus. Not counted in ClinVar's aggregate classification.

Clinical Genetics, Academic Medical Center
Classification: Likely benign. Review status: no assertion criteria provided. Collection method: clinical testing. Allele origin: germline. Affected: yes. Study: VKGL Data-share Consensus. Not counted in ClinVar's aggregate classification.

Diagnostic Laboratory, Department of Genetics, University Medical Center Groningen
Classification: Likely benign. Review status: no assertion criteria provided. Collection method: clinical testing. Allele origin: germline. Affected: yes. Study: VKGL Data-share Consensus. Not counted in ClinVar's aggregate classification.

Joint Genome Diagnostic Labs from Nijmegen and Maastricht, Radboudumc and MUMC+
Classification: Benign. Review status: no assertion criteria provided. Collection method: clinical testing. Allele origin: germline. Affected: yes. Study: VKGL Data-share Consensus. Not counted in ClinVar's aggregate classification.

NM_182925.5(FLT4):c.1921C>T (p.Pro641Ser)

Gene: FLT4 (fms related receptor tyrosine kinase 4; minus strand). Cytogenetic location: 5q35.3.
Variant type: single nucleotide variant.
Coding change: c.1921C>T on transcript NM_182925.5 (MANE Select); coding-DNA position 1921, C replaced by T.
Protein change: p.Pro641Ser; replaces proline 641 with serine.
Molecular consequence: missense variant.
Genome position (GRCh38, 1-based): chr5:180,621,641, G>A on the plus strand (C>T on the coding strand, the complement: FLT4 is on the minus strand). VCF-style: chr5-180621641-G-A. GRCh37 (hg19) VCF-style: chr5-180048641-G-A.
Other names: c.1921C>T, p.Pro641Ser (NM_001354989.2, NM_002020.5); short protein forms P641S.
Identifiers: ClinVar variation 263032 (VCV000263032.49), dbSNP rs55667289, ClinGen allele CA3606565.